The following is an entry in ClinVar:

NM_020631.6(PLEKHG5):c.2826C>T (p.Val942=)

Gene: PLEKHG5 (pleckstrin homology and RhoGEF domain containing G5; minus strand). Cytogenetic location: 1p36.31.
Variant type: single nucleotide variant.
Coding change: c.2826C>T on transcript NM_020631.6 (MANE Select); coding-DNA position 2826, C replaced by T.
Protein change: p.Val942=; no amino-acid change (valine 942 retained).
Molecular consequence: synonymous variant. On other transcripts: intron variant (1).
Genome position (GRCh38, 1-based): chr1:6,468,010, G>A on the plus strand (C>T on the coding strand, the complement: PLEKHG5 is on the minus strand). VCF-style: chr1-6468010-G-A. GRCh37 (hg19) VCF-style: chr1-6528070-G-A.
Other names: c.2937C>T, p.Val979= (NM_001042663.3, NM_001265592.2); c.2826C>T, p.Val942= (NM_001042664.2, NM_001042665.2, NM_198681.4); c.3033C>T, p.Val1011= (NM_001265593.2); c.2737+89C>T (NM_001265594.3).
Identifiers: ClinVar variation 757869 (VCV000757869.35), dbSNP rs749891873, ClinGen allele CA561088.

ClinVar aggregate classification (germline): Conflicting classifications of pathogenicity. Review status: criteria provided, conflicting classifications (1 of 4 stars). 3 submissions from 3 submitters: Uncertain significance (1); Likely benign (2). Last evaluated 2025-08-29.

Conditions:
Charcot-Marie-Tooth disease recessive intermediate C. Also called: CHARCOT-MARIE-TOOTH NEUROPATHY, RECESSIVE INTERMEDIATE C. Identifiers: Orphanet 369867, MedGen C3809309, MONDO:0014154, OMIM 615376.
Neuronopathy, distal hereditary motor, autosomal recessive 4. Also called: NEUROPATHY, DISTAL HEREDITARY MOTOR, AUTOSOMAL RECESSIVE 4; Autosomal recessive lower motor neuron disease with childhood onset. Identifiers: Orphanet 206580, MedGen C1970211, MONDO:0012608, OMIM 611067.

Allele frequency attached by ClinVar (database versions not stated): gnomAD 0.00001; gnomAD exomes 0.00001 and 0.00002; TOPMed 0.00001; ExAC 0.00010.
gnomAD v4.1: 16 of 1,553,426 alleles (0.001%); highest among the groups gnomAD compares: East Asian, 0.0072%; no homozygotes.

Submissions (3):

Labcorp Genetics (formerly Invitae), Labcorp
Classification: Likely benign for Neuronopathy, distal hereditary motor, autosomal recessive 4; Charcot-Marie-Tooth disease recessive intermediate C. Last evaluated: 2025-08-29. Review status: criteria provided, single submitter. Criteria: Invitae Variant Classification Sherloc (09022015). Collection method: clinical testing. Allele origin: germline.

CeGaT Center for Human Genetics Tuebingen
Classification: Likely benign. Last evaluated: 2022-03-01. Review status: criteria provided, single submitter. Criteria: CeGaT Center For Human Genetics Tuebingen Variant Classification Criteria Version 2. Collection method: clinical testing. Allele origin: germline. Affected: yes. Observed: 1 variant allele.
Comment: PLEKHG5: BP4, BP7

Illumina Laboratory Services, Illumina
Classification: Uncertain significance for Neuronopathy, distal hereditary motor, autosomal recessive 4. Last evaluated: 2018-03-30. Review status: criteria provided, single submitter. Criteria: ICSL Variant Classification Criteria 13 December 2019. Collection method: clinical testing. Allele origin: germline.